The following is an entry in ClinVar:

ClinVar aggregate classification (germline): Benign. Review status: criteria provided, multiple submitters, no conflicts (2 of 4 stars). 2 submissions from 2 submitters: Benign (2). Last evaluated 2018-01-13.

Conditions:
3-methylcrotonyl-CoA carboxylase 2 deficiency. Also called: METHYLCROTONYLGLYCINURIA, TYPE II; 3 alpha methylcrotonyl-CoA carboxylase 2 deficiency; 3 alpha methylcrotonylglycinuria 2; MCC 2 deficiency; Methylcrotonylglycinuria type 2. Identifiers: Orphanet 6, MedGen C1859499, MONDO:0008862, OMIM 210210.

Allele frequency attached by ClinVar (database versions not stated): gnomAD exomes 0.05556; TOPMed 0.08884; gnomAD 0.09309 and 0.09562; 1000 Genomes Project 30x 0.11149; 1000 Genomes Project 0.11542.
gnomAD v4.1: 14,502 of 152,624 alleles (9.5%); highest among the groups gnomAD compares: South Asian, 19%; 751 homozygotes.

Submissions (2):

Illumina Laboratory Services, Illumina
Classification: Benign for 3-methylcrotonyl-CoA carboxylase 2 deficiency. Last evaluated: 2018-01-13. Review status: criteria provided, single submitter. Criteria: ICSL Variant Classification Criteria 13 December 2019. Collection method: clinical testing. Allele origin: germline.
Comment: This variant was observed in the ICSL laboratory as part of a predisposition screen in an ostensibly healthy population. It had not been previously curated by ICSL or reported in the Human Gene Mutation Database (HGMD: prior to June 1st, 2018), and was therefore a candidate for classification through an automated scoring system. Utilizing variant allele frequency, disease prevalence and penetrance estimates, and inheritance mode, an automated score was calculated to assess if this variant is too frequent to cause the disease. Based on the score and internal cut-off values, a variant classified as benign is not then subjected to further curation. The score for this variant resulted in a classification of benign for this disease.

Breakthrough Genomics
Classification: Benign. Review status: criteria provided, single submitter. Criteria: ACMG Guidelines, 2015. Collection method: not provided. Allele origin: germline. Inheritance: Autosomal recessive inheritance. Affected: yes.

NM_022132.5(MCCC2):c.*593G>T

Gene: MCCC2 (methylcrotonyl-CoA carboxylase subunit 2; plus strand). Cytogenetic location: 5q13.2.
Variant type: single nucleotide variant.
Coding change: c.*593G>T on transcript NM_022132.5 (MANE Select); 593 bases downstream of the stop codon, G replaced by T.
Molecular consequence: 3 prime UTR variant.
Genome position (GRCh38, 1-based): chr5:71,657,453, G>T. VCF-style: chr5-71657453-G-T. GRCh37 (hg19) VCF-style: chr5-70953280-G-T.
Other names: c.*593G>T (NM_001363147.1).
Identifiers: ClinVar variation 354112 (VCV000354112.6), dbSNP rs60069076, ClinGen allele CA10624895.
Genomic context (GRCh38, chr5:71,657,453, plus strand): 5'-CATTTCCCCCTCCCCCGAGCCCATGACATCTCCTTATTATTATTTTTTTTTTGAGACAGG[G>T]TGTTTCTCTGTTGCCCAGGCTGGAGTGCGGTGGTGTGATCTCGGCTCACTGCAGCTTCCA-3'